The following is an entry in ClinVar:

NM_006379.5(SEMA3C):c.1795G>T (p.Ala599Ser)

Gene: SEMA3C (semaphorin 3C; minus strand). Cytogenetic location: 7q21.11.
Variant type: single nucleotide variant.
Coding change: c.1795G>T on transcript NM_006379.5 (MANE Select); coding-DNA position 1795, G replaced by T.
Protein change: p.Ala599Ser; replaces alanine 599 with serine.
Molecular consequence: missense variant.
Genome position (GRCh38, 1-based): chr7:80,748,945, C>A on the plus strand (G>T on the coding strand, the complement: SEMA3C is on the minus strand). VCF-style: chr7-80748945-C-A. GRCh37 (hg19) VCF-style: chr7-80378261-C-A.
Other names: c.1849G>T, p.Ala617Ser (NM_001350120.2); c.1621G>T, p.Ala541Ser (NM_001350121.2); short protein forms A541S, A599S, A617S.
Identifiers: ClinVar variation 2636100 (VCV002636100.2), dbSNP rs773373441, ClinGen allele CA4315982.
Genomic context (GRCh38, chr7:80,748,945, plus strand): 5'-CTGCTTTACTCACCTCTTTCCTCCTGTCTTTGTCTTTCTGTAACAGCCACTTGATAGATG[C>A]CTGCGGAGACTTGGGGGCACACTCCAGAAAAGTGGTGTTATTTTTTACTCCATACTGGAC-3'
Protein context (NP_006370.1, residues 589-609): FLECAPKSPQ[Ala599Ser]SIKWLLQKDK

ClinVar aggregate classification (germline): Uncertain significance (1 of 4 stars; one submission).

Conditions:
SEMA3C-related disorder. Also called: SEMA3C-related condition.

Allele frequency attached by ClinVar (database versions not stated): ExAC 0.00001; gnomAD 0.00001.
gnomAD v4.1: 18 of 1,613,184 alleles (0.0011%); highest among the groups gnomAD compares: Admixed American, 0.0017%; no homozygotes.

Submission:

PreventionGenetics, part of Exact Sciences
Classification: Uncertain significance for SEMA3C-related condition. Last evaluated: 2024-12-19. Review status: criteria provided, single submitter. Criteria: ACMG Guidelines, 2015. Collection method: clinical testing. Allele origin: germline.
Comment: The SEMA3C c.1849G>T variant is predicted to result in the amino acid substitution p.Ala617Ser. To our knowledge, this variant has not been reported in the literature. This variant is reported in 0.0018% of alleles in individuals of European (Non-Finnish) descent in gnomAD. At this time, the clinical significance of this variant is uncertain due to the absence of conclusive functional and genetic evidence.